The following is an entry in ClinVar:

ClinVar aggregate classification (germline): Uncertain significance (1 of 4 stars; one submission).

Allele frequency attached by ClinVar (database versions not stated): TOPMed 0.00003.

Submission:

CeGaT Center for Human Genetics Tuebingen
Classification: Uncertain significance. Last evaluated: 2022-05-01. Review status: criteria provided, single submitter. Criteria: CeGaT Center For Human Genetics Tuebingen Variant Classification Criteria Version 2. Collection method: clinical testing. Allele origin: germline. Affected: yes. Observed: 1 variant allele.
Comment: NDUFS7: PM2:Supporting, BP4

NM_024407.5(NDUFS7):c.336C>G (p.Ala112=)

Gene: NDUFS7 (NADH:ubiquinone oxidoreductase core subunit S7; plus strand). Cytogenetic location: 19p13.3.
Variant type: single nucleotide variant.
Coding change: c.336C>G on transcript NM_024407.5 (MANE Select); coding-DNA position 336, C replaced by G.
Protein change: p.Ala112=; no amino-acid change (alanine 112 retained).
Molecular consequence: synonymous variant.
Genome position (GRCh38, 1-based): chr19:1,390,978, C>G. VCF-style: chr19-1390978-C-G. GRCh37 (hg19) VCF-style: chr19-1390977-C-G.
Other names: c.336C>G, p.Ala112= (NM_001363602.2).
Identifiers: ClinVar variation 2648913 (VCV002648913.24), dbSNP rs1012261519, ClinGen allele CA304059627.